The following is an entry in ClinVar:

ClinVar aggregate classification (germline): Pathogenic. Review status: criteria provided, multiple submitters, no conflicts (2 of 4 stars). 2 submissions from 2 submitters: Pathogenic (2). Last evaluated 2025-02-13.

Conditions:
Von Hippel-Lindau syndrome (VHLS). Also called: Von Hippel-Lindau; von Hippel–Lindau syndrome; VHL syndrome. Identifiers: Orphanet 892, MedGen C0019562, MONDO:0008667, OMIM 193300. Disease mechanism: loss of function.
Chuvash polycythemia. Also called: POLYCYTHEMIA, VHL-DEPENDENT. Identifiers: Orphanet 238557, MedGen C1837915, MONDO:0009892, OMIM 263400.

Submissions (2):

Women's Health and Genetics/Laboratory Corporation of America, LabCorp
Classification: Pathogenic for Von Hippel-Lindau syndrome. Last evaluated: 2025-02-13. Review status: criteria provided, single submitter. Criteria: LabCorp Variant Classification Summary - May 2015. Collection method: clinical testing. Allele origin: germline.
Comment: Variant summary: VHL c.493delG (p.Val165LeufsX5) results in a premature termination codon, predicted to cause a truncation of the encoded protein or absence of the protein due to nonsense mediated decay, which are commonly known mechanisms for disease. The variant was absent in 251444 control chromosomes. c.493delG has been reported in the literature in individuals affected with Von Hippel-Lindau Syndrome. To our knowledge, no experimental evidence demonstrating an impact on protein function has been reported. ClinVar contains an entry for this variant (Variation ID: 2925347). Based on the evidence outlined above, the variant was classified as pathogenic.

Labcorp Genetics (formerly Invitae), Labcorp
Classification: Pathogenic for Von Hippel-Lindau syndrome; Chuvash polycythemia. Last evaluated: 2023-11-24. Review status: criteria provided, single submitter. Criteria: Invitae Variant Classification Sherloc (09022015). Collection method: clinical testing. Allele origin: germline.
Comment: This sequence change creates a premature translational stop signal (p.Val165Leufs*5) in the VHL gene. While this is not anticipated to result in nonsense mediated decay, it is expected to disrupt the last 49 amino acid(s) of the VHL protein. This variant is not present in population databases (gnomAD no frequency). This premature translational stop signal has been observed in individual(s) with clinical features of von Hippel-Landau syndrome (PMID: 33720516). This variant disrupts a region of the VHL protein in which other variant(s) (p.Ser183*) have been determined to be pathogenic (PMID: 8707293, 10567493, 11309459). This suggests that this is a clinically significant region of the protein, and that variants that disrupt it are likely to be disease-causing. For these reasons, this variant has been classified as Pathogenic.

Literature cited by the submitters: PubMed 33720516 (cited by Women's Health and Genetics/Laboratory Corporation of America, LabCorp and Labcorp Genetics (formerly Invitae), Labcorp); PubMed 8707293 (cited by Labcorp Genetics (formerly Invitae), Labcorp); PubMed 10567493 (cited by Labcorp Genetics (formerly Invitae), Labcorp); PubMed 11309459 (cited by Labcorp Genetics (formerly Invitae), Labcorp).

NM_000551.4(VHL):c.493del (p.Val165fs)

Genes: VHL (von Hippel-Lindau tumor suppressor; plus strand), LOC107303340 (3p25 von Hippel-Lindau tumor suppressor, E3 ubiquitin protein ligase Alu-mediated recombination region; plus strand). Cytogenetic location: 3p25.3.
Variant type: Deletion.
Coding change: c.493del on transcript NM_000551.4 (MANE Select); coding-DNA position 493, one base deleted (G; older notation c.493delG).
Protein change: p.Val165fs; shifts the reading frame from valine 165.
Molecular consequence: frameshift variant. On other transcripts: 3 prime UTR variant (1), non-coding transcript variant (1).
Genome position (GRCh38, 1-based): chr3:10,149,816, G deleted; the last of 2 consecutive G bases (chr3:10,149,815-10,149,816); deleting either gives the same sequence. VCF-style (leftmost placement, unchanged base first): chr3-10149814-AG-A. GRCh37 (hg19) VCF-style: chr3-10191498-AG-A.
Other names: c.*47del (NM_001354723.2); c.370del, p.Val124fs (NM_198156.3); c.493delG (NM_000551.4); short protein forms V165fs, V124fs.
Identifiers: ClinVar variation 2925347 (VCV002925347.4), dbSNP rs2470170764, ClinGen allele CA432423224.